The following is an entry in ClinVar:

ClinVar aggregate classification (germline): Uncertain significance (1 of 4 stars; one submission).

Allele frequency attached by ClinVar (database versions not stated): TOPMed below 0.00001.

Submission:

GeneDx
Classification: Uncertain significance. Last evaluated: 2024-10-25. Review status: criteria provided, single submitter. Criteria: GeneDx Variant Classification Process June 2021. Collection method: clinical testing. Allele origin: germline.
Comment: Not observed at significant frequency in large population cohorts (gnomAD); In silico analysis supports that this missense variant has a deleterious effect on protein structure/function; Has not been previously published as pathogenic or benign to our knowledge

NM_001012426.2(FOXP4):c.1913A>C (p.Lys638Thr)

Gene: FOXP4 (forkhead box P4; plus strand). Cytogenetic location: 6p21.1.
Variant type: single nucleotide variant.
Coding change: c.1913A>C on transcript NM_001012426.2 (MANE Select); coding-DNA position 1913, A replaced by C.
Protein change: p.Lys638Thr; replaces lysine 638 with threonine.
Molecular consequence: missense variant.
Genome position (GRCh38, 1-based): chr6:41,598,806, A>C. VCF-style: chr6-41598806-A-C. GRCh37 (hg19) VCF-style: chr6-41566544-A-C.
Other names: c.1907A>C, p.Lys636Thr (NM_001012427.2); c.1877A>C, p.Lys626Thr (NM_001405824.1); c.1817A>C, p.Lys606Thr (NM_001405825.1); c.1781A>C, p.Lys594Thr (NM_001405826.1); c.1874A>C, p.Lys625Thr (NM_138457.3); short protein forms K594T, K606T, K625T, K626T, K636T, K638T.
Identifiers: ClinVar variation 2444581 (VCV002444581.2), dbSNP rs918576584, ClinGen allele CA138077625.
Genomic context (GRCh38, chr6:41,598,806, plus strand): 5'-CAGAGGACAGCCGCCTGGTGCCCATGCCATACTTTTGCCTCAGCCACCAGGTGCAGGTGA[A>C]GGAGGAGCCAGCAGAGGCAGAGGAAGACAGGCAGCCCGGGCCTCCCCTGGGCGCCCCTAA-3'
Protein context (NP_001012426.1, residues 628-648): PPQYSHQVQV[Lys638Thr]EEPAEAEEDR